The following is an entry in ClinVar:

ClinVar aggregate classification (germline): Uncertain significance (1 of 4 stars; one submission).

Allele frequency attached by ClinVar (database versions not stated): gnomAD exomes below 0.00001.
gnomAD v4.1: 1 of 1,614,152 alleles (0.000062%); highest among the groups gnomAD compares: Admixed American, 0.0017%; no homozygotes.

Submission:

Labcorp Genetics (formerly Invitae), Labcorp
Classification: Uncertain significance. Last evaluated: 2022-02-19. Review status: criteria provided, single submitter. Criteria: Invitae Variant Classification Sherloc (09022015). Collection method: clinical testing. Allele origin: germline.
Comment: Algorithms developed to predict the effect of missense changes on protein structure and function are either unavailable or do not agree on the potential impact of this missense change (SIFT: "Deleterious"; PolyPhen-2: "Benign"; Align-GVGD: "Class C45"). In summary, the available evidence is currently insufficient to determine the role of this variant in disease. Therefore, it has been classified as a Variant of Uncertain Significance. This variant has not been reported in the literature in individuals affected with MAGI2-related conditions. This variant is not present in population databases (gnomAD no frequency). This sequence change replaces serine, which is neutral and polar, with asparagine, which is neutral and polar, at codon 1001 of the MAGI2 protein (p.Ser1001Asn).

NM_012301.4(MAGI2):c.3002G>A (p.Ser1001Asn)

Gene: MAGI2 (membrane associated guanylate kinase, WW and PDZ domain containing 2; minus strand). Cytogenetic location: 7q21.11.
Variant type: single nucleotide variant.
Coding change: c.3002G>A on transcript NM_012301.4 (MANE Select); coding-DNA position 3002, G replaced by A.
Protein change: p.Ser1001Asn; replaces serine 1001 with asparagine.
Molecular consequence: missense variant.
Genome position (GRCh38, 1-based): chr7:78,135,050, C>T on the plus strand (G>A on the coding strand, the complement: MAGI2 is on the minus strand). VCF-style: chr7-78135050-C-T. GRCh37 (hg19) VCF-style: chr7-77764367-C-T.
Other names: c.2960G>A, p.Ser987Asn (NM_001301128.2); short protein forms S987N, S1001N.
Identifiers: ClinVar variation 2081232 (VCV002081232.4), dbSNP rs2485438513, ClinGen allele CA367850236.